The following is an entry in ClinVar:

ClinVar aggregate classification (germline): Uncertain significance. Review status: criteria provided, multiple submitters, no conflicts (2 of 4 stars). 2 submissions from 2 submitters: Uncertain significance (2). Last evaluated 2026-03-09.

Conditions:
LAMB3-related disorder. Also called: LAMB3-related condition.
Inborn genetic diseases. Identifiers: MedGen C0950123, MeSH D030342.

Allele frequency attached by ClinVar (database versions not stated): 1000 Genomes Project 30x 0.00016.
gnomAD v4.1: 51 of 1,614,114 alleles (0.0032%); highest among the groups gnomAD compares: Middle Eastern, 0.016%; no homozygotes.

Submissions (2):

PreventionGenetics, part of Exact Sciences
Classification: Uncertain significance for LAMB3-related condition. Last evaluated: 2026-03-09. Review status: criteria provided, single submitter. Criteria: ACMG Guidelines, 2015. Collection method: clinical testing. Allele origin: germline.
Comment: The LAMB3 c.3272G>A variant is predicted to result in the amino acid substitution p.Arg1091Gln. To our knowledge, this variant has not been reported in the literature. This variant is reported in 0.0058% of alleles in individuals of Latino descent in gnomAD. At this time, the clinical significance of this variant is uncertain due to the absence of conclusive functional and genetic evidence.

Ambry Genetics
Classification: Uncertain significance for Inborn genetic diseases. Last evaluated: 2023-08-21. Review status: criteria provided, single submitter. Criteria: Ambry Variant Classification Scheme 2023. Collection method: clinical testing. Allele origin: germline.

NM_000228.3(LAMB3):c.3272G>A (p.Arg1091Gln)

Gene: LAMB3 (laminin subunit beta 3; minus strand). Cytogenetic location: 1q32.2.
Variant type: single nucleotide variant.
Coding change: c.3272G>A on transcript NM_000228.3 (MANE Select); coding-DNA position 3272, G replaced by A.
Protein change: p.Arg1091Gln; replaces arginine 1091 with glutamine.
Molecular consequence: missense variant.
Genome position (GRCh38, 1-based): chr1:209,616,581, C>T on the plus strand (G>A on the coding strand, the complement: LAMB3 is on the minus strand). VCF-style: chr1-209616581-C-T. GRCh37 (hg19) VCF-style: chr1-209789926-C-T.
Other names: c.3272G>A, p.Arg1091Gln (NM_001017402.2, NM_001127641.1); short protein forms R1091Q.
Identifiers: ClinVar variation 2592555 (VCV002592555.3), dbSNP rs186130143, ClinGen allele CA1374907.